The following is an entry in ClinVar:

NM_001376.5(DYNC1H1):c.10736T>C (p.Met3579Thr)

Gene: DYNC1H1 (dynein cytoplasmic 1 heavy chain 1; plus strand). Cytogenetic location: 14q32.31.
Variant type: single nucleotide variant.
Coding change: c.10736T>C on transcript NM_001376.5 (MANE Select); coding-DNA position 10736, T replaced by C.
Protein change: p.Met3579Thr; replaces methionine 3579 with threonine.
Molecular consequence: missense variant.
Genome position (GRCh38, 1-based): chr14:102,034,434, T>C. VCF-style: chr14-102034434-T-C. GRCh37 (hg19) VCF-style: chr14-102500771-T-C.
Other names: short protein forms M3579T.
Identifiers: ClinVar variation 2122492 (VCV002122492.5), dbSNP rs2503827400, ClinGen allele CA391028525.

ClinVar aggregate classification (germline): Uncertain significance. Review status: criteria provided, multiple submitters, no conflicts (2 of 4 stars). 2 submissions from 2 submitters: Uncertain significance (2). Last evaluated 2022-04-07.

Conditions:
Charcot-Marie-Tooth disease axonal type 2O. Also called: Charcot-Marie-Tooth disease, axonal, type 20; CHARCOT-MARIE-TOOTH NEUROPATHY, AXONAL, TYPE 2O; CHARCOT-MARIE-TOOTH DISEASE, AXONAL, AUTOSOMAL DOMINANT, TYPE 2O; Charcot-Marie-Tooth Neuropathy Type 2O. Identifiers: Orphanet 284232, MedGen C3280220, MONDO:0013644, OMIM 614228.

Allele frequency attached by ClinVar (database versions not stated): gnomAD exomes below 0.00001.
gnomAD v4.1: 1 of 1,613,102 alleles (0.000062%); highest among the groups gnomAD compares: South Asian, 0.0011%; no homozygotes.

Submissions (2):

Labcorp Genetics (formerly Invitae), Labcorp
Classification: Uncertain significance for Charcot-Marie-Tooth disease axonal type 2O. Last evaluated: 2022-04-07. Review status: criteria provided, single submitter. Criteria: Invitae Variant Classification Sherloc (09022015). Collection method: clinical testing. Allele origin: germline.
Comment: Algorithms developed to predict the effect of missense changes on protein structure and function (SIFT, PolyPhen-2, Align-GVGD) all suggest that this variant is likely to be disruptive. In summary, the available evidence is currently insufficient to determine the role of this variant in disease. Therefore, it has been classified as a Variant of Uncertain Significance. This variant has not been reported in the literature in individuals affected with DYNC1H1-related conditions. This variant is not present in population databases (gnomAD no frequency). This sequence change replaces methionine, which is neutral and non-polar, with threonine, which is neutral and polar, at codon 3579 of the DYNC1H1 protein (p.Met3579Thr).

Blueprint Genetics
Classification: Uncertain significance. Last evaluated: 2019-11-18. Review status: criteria provided, single submitter. Criteria: ACMG Guidelines, 2015. Collection method: clinical testing. Allele origin: germline.